The following is an entry in ClinVar:

ClinVar aggregate classification (germline): Likely benign. Review status: criteria provided, multiple submitters, no conflicts (2 of 4 stars). 3 submissions from 3 submitters: Likely benign (3). Last evaluated 2026-07-22.

Conditions:
TTN-related disorder. Also called: TTN-related condition; TTN-related disease; TTN-related disorders.
Autosomal recessive limb-girdle muscular dystrophy type 2J (LGMDR10). Also called: Limb-girdle muscular dystrophy, type 2J; MUSCULAR DYSTROPHY, LIMB-GIRDLE, AUTOSOMAL RECESSIVE 10. Identifiers: Orphanet 140922, MedGen C1837342, MONDO:0012127, OMIM 608807.
Dilated cardiomyopathy 1G (CMD1G). Identifiers: Orphanet 154, MedGen C1858763, MONDO:0011400, OMIM 604145.
Cardiovascular phenotype. Identifiers: MedGen CN230736.

Allele frequency attached by ClinVar (database versions not stated): gnomAD exomes 0.00002 and 0.00004; ExAC 0.00003; TOPMed 0.00003; gnomAD 0.00004.
gnomAD v4.1: 65 of 1,613,252 alleles (0.004%); highest among the groups gnomAD compares: African/African-American, 0.008%; no homozygotes.

Submissions (3):

PreventionGenetics, part of Exact Sciences
Classification: Likely benign for TTN-related condition. Last evaluated: 2026-07-22. Review status: criteria provided, single submitter. Criteria: ACMG Guidelines, 2015. Collection method: clinical testing. Allele origin: germline.
Comment: This variant is classified as likely benign based on ACMG/AMP sequence variant interpretation guidelines (Richards et al. 2015 PMID: 25741868, with internal and published modifications).

Labcorp Genetics (formerly Invitae), Labcorp
Classification: Likely benign for Dilated cardiomyopathy 1G; Autosomal recessive limb-girdle muscular dystrophy type 2J. Last evaluated: 2025-11-23. Review status: criteria provided, single submitter. Criteria: Invitae Variant Classification Sherloc (09022015). Collection method: clinical testing. Allele origin: germline.

Ambry Genetics
Classification: Likely benign for Cardiovascular phenotype. Last evaluated: 2020-07-11. Review status: criteria provided, single submitter. Criteria: Ambry Variant Classification Scheme 2023. Collection method: clinical testing. Allele origin: germline.

NM_001267550.2(TTN):c.60489C>T (p.Ala20163=)

Genes: TTN (titin; minus strand), TTN-AS1 (TTN antisense RNA 1; plus strand). Cytogenetic location: 2q31.2.
Variant type: single nucleotide variant.
Coding change: c.60489C>T on transcript NM_001267550.2 (MANE Select); coding-DNA position 60489, C replaced by T.
Protein change: p.Ala20163=; no amino-acid change (alanine 20163 retained).
Molecular consequence: synonymous variant. On other transcripts: non-coding transcript variant (1).
Genome position (GRCh38, 1-based): chr2:178,591,236, G>A on the plus strand (C>T on the coding strand, the complement: TTN is on the minus strand). VCF-style: chr2-178591236-G-A. GRCh37 (hg19) VCF-style: chr2-179455963-G-A.
Other names: c.55566C>T, p.Ala18522= (NM_001256850.1); c.33294C>T, p.Ala11098= (NM_003319.4); c.52785C>T, p.Ala17595= (NM_133378.4); c.33669C>T, p.Ala11223= (NM_133432.3); c.33870C>T, p.Ala11290= (NM_133437.4).
Identifiers: ClinVar variation 704448 (VCV000704448.17), dbSNP rs775192641, ClinGen allele CA1992483.